The following is an entry in ClinVar:

NM_001145809.2(MYH14):c.3931C>T (p.Arg1311Trp)

Gene: MYH14 (myosin heavy chain 14; plus strand). Cytogenetic location: 19q13.33.
Variant type: single nucleotide variant.
Coding change: c.3931C>T on transcript NM_001145809.2 (MANE Select); coding-DNA position 3931, C replaced by T.
Protein change: p.Arg1311Trp; replaces arginine 1311 with tryptophan.
Molecular consequence: missense variant.
Genome position (GRCh38, 1-based): chr19:50,278,188, C>T. VCF-style: chr19-50278188-C-T. GRCh37 (hg19) VCF-style: chr19-50781445-C-T.
Other names: c.3832C>T, p.Arg1278Trp (NM_001077186.2); c.3808C>T, p.Arg1270Trp (NM_024729.4); short protein forms R1270W, R1311W, R1278W.
Identifiers: ClinVar variation 2279434 (VCV002279434.5), dbSNP rs369976154, ClinGen allele CA9593374.

ClinVar aggregate classification (germline): Uncertain significance. Review status: criteria provided, multiple submitters, no conflicts (2 of 4 stars). 3 submissions from 3 submitters: Uncertain significance (2). 1 of the submissions does not count toward it. Last evaluated 2025-08-04.

Conditions:
Inborn genetic diseases. Identifiers: MedGen C0950123, MeSH D030342.
Meniere disease. Also called: Ménière's disease. Identifiers: MedGen C0025281, MONDO:0007972, OMIM 156000.

Allele frequency attached by ClinVar (database versions not stated): gnomAD exomes 0.00001; ExAC 0.00002; gnomAD 0.00002; TOPMed 0.00002; ESP Exome Variant Server 0.00008.
gnomAD v4.1: 17 of 1,611,344 alleles (0.0011%); highest among the groups gnomAD compares: African/African-American, 0.004%; no homozygotes.

Submissions (3):

Ambry Genetics
Classification: Uncertain significance for Inborn genetic diseases. Last evaluated: 2025-08-04. Review status: criteria provided, single submitter. Criteria: Ambry Variant Classification Scheme 2023. Collection method: clinical testing. Allele origin: germline.

Labcorp Genetics (formerly Invitae), Labcorp
Classification: Uncertain significance. Last evaluated: 2025-05-06. Review status: criteria provided, single submitter. Criteria: Invitae Variant Classification Sherloc (09022015). Collection method: clinical testing. Allele origin: germline.
Comment: This sequence change replaces arginine, which is basic and polar, with tryptophan, which is neutral and slightly polar, at codon 1270 of the MYH14 protein (p.Arg1270Trp). This variant is present in population databases (rs369976154, gnomAD 0.01%). This variant has not been reported in the literature in individuals affected with MYH14-related conditions. ClinVar contains an entry for this variant (Variation ID: 2279434). Invitae Evidence Modeling of protein sequence and biophysical properties (such as structural, functional, and spatial information, amino acid conservation, physicochemical variation, residue mobility, and thermodynamic stability) indicates that this missense variant is expected to disrupt MYH14 protein function with a positive predictive value of 80%. In summary, the available evidence is currently insufficient to determine the role of this variant in disease. Therefore, it has been classified as a Variant of Uncertain Significance.

Center for Computational Biology & Bioinformatics, University of California, San Diego
Classification: Uncertain significance for Meniere disease. Last evaluated: 2024-06-03. Review status: no assertion criteria provided. Collection method: research. Allele origin: germline. Affected: yes. Not counted in ClinVar's aggregate classification.